The following is an entry in ClinVar:

NM_003906.5(MCM3AP):c.504G>A (p.Gln168=)

Gene: MCM3AP (minichromosome maintenance complex component 3 associated protein; minus strand). Cytogenetic location: 21q22.3.
Variant type: single nucleotide variant.
Coding change: c.504G>A on transcript NM_003906.5 (MANE Select); coding-DNA position 504, G replaced by A.
Protein change: p.Gln168=; no amino-acid change (glutamine 168 retained).
Molecular consequence: synonymous variant.
Genome position (GRCh38, 1-based): chr21:46,284,783, C>T on the plus strand (G>A on the coding strand, the complement: MCM3AP is on the minus strand). VCF-style: chr21-46284783-C-T. GRCh37 (hg19) VCF-style: chr21-47704697-C-T.
Other names: c.504G>A (NM_003906.4).
Identifiers: ClinVar variation 2063885 (VCV002063885.5), dbSNP rs761897459, ClinGen allele CA10077335.

ClinVar aggregate classification (germline): Likely benign. Review status: criteria provided, multiple submitters, no conflicts (2 of 4 stars). 2 submissions from 2 submitters: Likely benign (2). Last evaluated 2025-06-17.

Conditions:
MCM3AP-related disorder. Also called: MCM3AP-related condition.

Allele frequency attached by ClinVar (database versions not stated): gnomAD 0.00001; TOPMed 0.00001; ExAC 0.00002.
gnomAD v4.1: 9 of 1,613,612 alleles (0.00056%); highest among the groups gnomAD compares: Admixed American, 0.0033%; no homozygotes.

Submissions (2):

PreventionGenetics, part of Exact Sciences
Classification: Likely benign for MCM3AP-related condition. Last evaluated: 2025-06-17. Review status: criteria provided, single submitter. Criteria: ACMG Guidelines, 2015. Collection method: clinical testing. Allele origin: germline.
Comment: This variant is classified as likely benign based on ACMG/AMP sequence variant interpretation guidelines (Richards et al. 2015 PMID: 25741868, with internal and published modifications).

Labcorp Genetics (formerly Invitae), Labcorp
Classification: Likely benign. Last evaluated: 2025-06-12. Review status: criteria provided, single submitter. Criteria: Invitae Variant Classification Sherloc (09022015). Collection method: clinical testing. Allele origin: germline.